The following is an entry in ClinVar:

ClinVar aggregate classification (germline): Benign. Review status: criteria provided, multiple submitters, no conflicts (2 of 4 stars). 3 submissions from 3 submitters: Benign (2). 1 of the submissions does not count toward it. Last evaluated 2026-01-13.

Conditions:
GALNT2-related disorder. Also called: GALNT2-related condition.

Allele frequency attached by ClinVar (database versions not stated): gnomAD exomes 0.00221 and 0.00578; ExAC 0.00684; gnomAD 0.02148 and 0.02289; ESP Exome Variant Server 0.02368; 1000 Genomes Project 0.02416; TOPMed 0.02487; 1000 Genomes Project 30x 0.02717.
gnomAD v4.1: 6,673 of 1,614,158 alleles (0.41%); highest among the groups gnomAD compares: African/African-American, 7.2%; 191 homozygotes.

Submissions (3):

Labcorp Genetics (formerly Invitae), Labcorp
Classification: Benign. Last evaluated: 2026-01-13. Review status: criteria provided, single submitter. Criteria: Invitae Variant Classification Sherloc (09022015). Collection method: clinical testing. Allele origin: germline.

Breakthrough Genomics
Classification: Benign. Review status: criteria provided, single submitter. Criteria: ACMG Guidelines, 2015. Collection method: not provided. Allele origin: germline. Inheritance: Autosomal recessive inheritance. Affected: yes.

PreventionGenetics, part of Exact Sciences
Classification: Likely benign for GALNT2-related condition. Last evaluated: 2019-12-23. Review status: no assertion criteria provided. Collection method: clinical testing. Allele origin: germline. Not counted in ClinVar's aggregate classification.
Comment: This variant is classified as likely benign based on ACMG/AMP sequence variant interpretation guidelines (Richards et al. 2015 PMID: 25741868, with internal and published modifications).

NM_004481.5(GALNT2):c.1010-8C>T

Gene: GALNT2 (polypeptide N-acetylgalactosaminyltransferase 2; plus strand). Cytogenetic location: 1q42.13.
Variant type: single nucleotide variant.
Coding change: c.1010-8C>T on transcript NM_004481.5 (MANE Select); 8 bases into the intron before coding-DNA position 1010, C replaced by T.
Molecular consequence: intron variant.
Genome position (GRCh38, 1-based): chr1:230,255,210, C>T. VCF-style: chr1-230255210-C-T. GRCh37 (hg19) VCF-style: chr1-230390956-C-T.
Other names: c.896-8C>T (NM_001291866.2).
Identifiers: ClinVar variation 784974 (VCV000784974.12), dbSNP rs58148281, ClinGen allele CA1446379.
Genomic context (GRCh38, chr1:230,255,210, plus strand): 5'-GTGTGTCTGCTGTTGCAGAGGTGCGTCCCAGGCTCTGTCAGTCACCTGTGTCTTGTTCAT[C>T]GTCTCAGAGATCTCGTTCCGCGTGTGGCAGTGTGGTGGCAGCCTGGAGATCATCCCGTGC-3'